The following is an entry in ClinVar:

NM_001164508.2(NEB):c.24293T>C (p.Ile8098Thr)

Genes: NEB (nebulin; minus strand), RIF1 (replication timing regulatory factor 1; plus strand). Cytogenetic location: 2q23.3.
Variant type: single nucleotide variant.
Coding change: c.24293T>C on transcript NM_001164508.2 (MANE Select); coding-DNA position 24293, T replaced by C.
Protein change: p.Ile8098Thr; replaces isoleucine 8098 with threonine.
Molecular consequence: missense variant. On other transcripts: intron variant (1).
Genome position (GRCh38, 1-based): chr2:151,497,633, A>G on the plus strand (T>C on the coding strand, the complement: NEB is on the minus strand). VCF-style: chr2-151497633-A-G. GRCh37 (hg19) VCF-style: chr2-152354147-A-G.
Other names: c.24293T>C, p.Ile8098Thr (NM_001164507.2); c.24398T>C, p.Ile8133Thr (NM_001271208.2); c.18826-1265T>C (NM_004543.5); short protein forms I8098T, I8133T.
Identifiers: ClinVar variation 662912 (VCV000662912.4), dbSNP rs372228043, ClinGen allele CA1906108.

ClinVar aggregate classification (germline): Uncertain significance (1 of 4 stars; one submission).

Conditions:
Nemaline myopathy 2 (NEM2). Also called: Nemaline myopathy 2, autosomal recessive. Identifiers: MedGen C1850569, MONDO:0009725, OMIM 256030.

Allele frequency attached by ClinVar (database versions not stated): gnomAD 0.00001; gnomAD exomes 0.00001; TOPMed 0.00001; ExAC 0.00003; ESP Exome Variant Server 0.00022.
gnomAD v4.1: 60 of 1,574,320 alleles (0.0038%); highest among the groups gnomAD compares: Non-Finnish European, 0.005%; no homozygotes.

Submission:

Labcorp Genetics (formerly Invitae), Labcorp
Classification: Uncertain significance for Nemaline myopathy 2. Last evaluated: 2025-12-01. Review status: criteria provided, single submitter. Criteria: Invitae Variant Classification Sherloc (09022015). Collection method: clinical testing. Allele origin: germline.
Comment: This sequence change replaces isoleucine, which is neutral and non-polar, with threonine, which is neutral and polar, at codon 8133 of the NEB protein (p.Ile8133Thr). This variant is present in population databases (rs372228043, gnomAD 0.005%). This variant has not been reported in the literature in individuals affected with NEB-related conditions. ClinVar contains an entry for this variant (Variation ID: 662912). Experimental studies and prediction algorithms are not available or were not evaluated, and the functional significance of this variant is currently unknown. In summary, the available evidence is currently insufficient to determine the role of this variant in disease. Therefore, it has been classified as a Variant of Uncertain Significance.